The following is an entry in ClinVar:

ClinVar aggregate classification (germline): Uncertain significance (1 of 4 stars; one submission).

Conditions:
Long QT syndrome (LQTS). Identifiers: MedGen C0023976, MeSH D008133, MONDO:0002442. Disease mechanism: loss of function. Inheritance: Various modes of inheritance.

gnomAD v4.1: 1 of 1,588,806 alleles (0.000063%); highest among the groups gnomAD compares: Non-Finnish European, 0.000086%; no homozygotes.

Submission:

Labcorp Genetics (formerly Invitae), Labcorp
Classification: Uncertain significance for Long QT syndrome. Last evaluated: 2026-01-14. Review status: criteria provided, single submitter. Criteria: Invitae Variant Classification Sherloc (09022015). Collection method: clinical testing. Allele origin: germline.
Comment: This sequence change replaces valine, which is neutral and non-polar, with alanine, which is neutral and non-polar, at codon 994 of the KCNH2 protein (p.Val994Ala). This variant is not present in population databases (gnomAD no frequency). This variant has not been reported in the literature in individuals affected with KCNH2-related conditions. An algorithm developed to predict the effect of missense changes on protein structure and function (PolyPhen-2) suggests that this variant is likely to be disruptive. In summary, the available evidence is currently insufficient to determine the role of this variant in disease. Therefore, it has been classified as a Variant of Uncertain Significance.

NM_000238.4(KCNH2):c.2981T>C (p.Val994Ala)

Gene: KCNH2 (potassium voltage-gated channel subfamily H member 2; minus strand). Cytogenetic location: 7q36.1.
Variant type: single nucleotide variant.
Coding change: c.2981T>C on transcript NM_000238.4 (MANE Select); coding-DNA position 2981, T replaced by C.
Protein change: p.Val994Ala; replaces valine 994 with alanine.
Molecular consequence: missense variant. On other transcripts: non-coding transcript variant (2).
Genome position (GRCh38, 1-based): chr7:150,947,499, A>G on the plus strand (T>C on the coding strand, the complement: KCNH2 is on the minus strand). VCF-style: chr7-150947499-A-G. GRCh37 (hg19) VCF-style: chr7-150644587-A-G.
Other names: c.2693T>C, p.Val898Ala (NM_001406753.1); c.1961T>C, p.Val654Ala (NM_172057.3); short protein forms V898A, V994A, V654A.
Identifiers: ClinVar variation 4753810 (VCV004753810.1).